The following is an entry in ClinVar:

ClinVar aggregate classification (germline): Uncertain significance. Review status: criteria provided, multiple submitters, no conflicts (2 of 4 stars). 2 submissions from 2 submitters: Uncertain significance (2). Last evaluated 2025-09-25.

Allele frequency attached by ClinVar (database versions not stated): gnomAD exomes 0.00001.
gnomAD v4.1: 5 of 1,517,102 alleles (0.00033%); highest among the groups gnomAD compares: Non-Finnish European, 0.00044%; no homozygotes.

Submissions (2):

Ambry Genetics
Classification: Uncertain significance. Last evaluated: 2025-09-25. Review status: criteria provided, single submitter. Criteria: Ambry Variant Classification Scheme 2023. Collection method: clinical testing. Allele origin: germline.

Labcorp Genetics (formerly Invitae), Labcorp
Classification: Uncertain significance. Last evaluated: 2025-02-10. Review status: criteria provided, single submitter. Criteria: Invitae Variant Classification Sherloc (09022015). Collection method: clinical testing. Allele origin: germline.
Comment: This sequence change replaces glutamic acid, which is acidic and polar, with lysine, which is basic and polar, at codon 820 of the CACNA1B protein (p.Glu820Lys). This variant is not present in population databases (gnomAD no frequency). This variant has not been reported in the literature in individuals affected with CACNA1B-related conditions. ClinVar contains an entry for this variant (Variation ID: 3008526). An algorithm developed to predict the effect of missense changes on protein structure and function (PolyPhen-2) suggests that this variant is likely to be tolerated. In summary, the available evidence is currently insufficient to determine the role of this variant in disease. Therefore, it has been classified as a Variant of Uncertain Significance.

NM_000718.4(CACNA1B):c.2458G>A (p.Glu820Lys)

Gene: CACNA1B (calcium voltage-gated channel subunit alpha1 B; plus strand). Cytogenetic location: 9q34.3.
Variant type: single nucleotide variant.
Coding change: c.2458G>A on transcript NM_000718.4 (MANE Select); coding-DNA position 2458, G replaced by A.
Protein change: p.Glu820Lys; replaces glutamic acid 820 with lysine.
Molecular consequence: missense variant.
Genome position (GRCh38, 1-based): chr9:138,023,201, G>A. VCF-style: chr9-138023201-G-A. GRCh37 (hg19) VCF-style: chr9-140917653-G-A.
Other names: c.2458G>A (NM_000718.3); c.2458G>A, p.Glu820Lys (NM_001243812.2); short protein forms E820K.
Identifiers: ClinVar variation 3008526 (VCV003008526.3), dbSNP rs1205300930, ClinGen allele CA375809442.
Genomic context (GRCh38, chr9:138,023,201, plus strand): 5'-GCCACTACGCGCCACCTGCGGCCCGACATGAAGACGCACCTGGACCGGCCGCTGGTGGTG[G>A]AGCTGGGCCGCGACGGCGCGCGGGGGCCCGTGGGAGGCAAAGCCCGACCTGAGGCTGCGG-3'
Protein context (NP_000709.1, residues 810-830): KTHLDRPLVV[Glu820Lys]LGRDGARGPV